The following is an entry in ClinVar:

NM_020066.5(FMN2):c.2917G>A (p.Ala973Thr)

Gene: FMN2 (formin 2; plus strand). Cytogenetic location: 1q43.
Variant type: single nucleotide variant.
Coding change: c.2917G>A on transcript NM_020066.5 (MANE Select); coding-DNA position 2917, G replaced by A.
Protein change: p.Ala973Thr; replaces alanine 973 with threonine.
Molecular consequence: missense variant. On other transcripts: intron variant (1).
Genome position (GRCh38, 1-based): chr1:240,207,729, G>A. VCF-style: chr1-240207729-G-A. GRCh37 (hg19) VCF-style: chr1-240371029-G-A.
Other names: c.2929G>A, p.Ala977Thr (NM_001305424.2); c.1986+19467G>A (NM_001348094.2); short protein forms A973T, A977T.
Identifiers: ClinVar variation 1013557 (VCV001013557.38), dbSNP rs138468405, ClinGen allele CA1476884.

ClinVar aggregate classification (germline): Likely benign (1 of 4 stars; one submission).

Allele frequency attached by ClinVar (database versions not stated): gnomAD 0.00053 and 0.00055; 1000 Genomes Project 0.00060; gnomAD exomes 0.00069 and 0.00076; ESP Exome Variant Server 0.00077; ExAC 0.00093.
gnomAD v4.1: 1,096 of 1,485,956 alleles (0.074%); highest among the groups gnomAD compares: Non-Finnish European, 0.087%; 10 homozygotes.

Submission:

CeGaT Center for Human Genetics Tuebingen
Classification: Likely benign. Last evaluated: 2026-06-01. Review status: criteria provided, single submitter. Criteria: CeGaT Center For Human Genetics Tuebingen Variant Classification Criteria Version 2. Collection method: clinical testing. Allele origin: germline. Affected: yes. Observed: 14 variant alleles.
Comment: FMN2: BS2